The following is an entry in ClinVar:

NM_002439.5(MSH3):c.1990C>A (p.Gln664Lys)

Gene: MSH3 (mutS homolog 3; plus strand). Cytogenetic location: 5q14.1.
Variant type: single nucleotide variant.
Coding change: c.1990C>A on transcript NM_002439.5 (MANE Select); coding-DNA position 1990, C replaced by A.
Protein change: p.Gln664Lys; replaces glutamine 664 with lysine.
Molecular consequence: missense variant.
Genome position (GRCh38, 1-based): chr5:80,768,026, C>A. VCF-style: chr5-80768026-C-A. GRCh37 (hg19) VCF-style: chr5-80063845-C-A.
Other names: short protein forms Q664K.
Identifiers: ClinVar variation 3913651 (VCV003913651.1).
Genomic context (GRCh38, chr5:80,768,026, plus strand): 5'-ACTTTATATCACCTAAAGTCAGAATTTCAAGCAATAATACCTGCTGTTAATTCCCACATT[C>A]AGTCAGACTTGCTCCGGACCGTTATTTTAGAAATTCCTGAACTCCTCAGTCCAGTGGAGC-3'
Protein context (NP_002430.3, residues 654-674): AIIPAVNSHI[Gln664Lys]SDLLRTVILE

ClinVar aggregate classification (germline): Uncertain significance (1 of 4 stars; one submission).

Conditions:
Hereditary cancer-predisposing syndrome. Also called: Hereditary Cancer Syndrome; Hereditary neoplastic syndrome; Neoplastic Syndromes, Hereditary; Tumor predisposition. Identifiers: Orphanet 140162, MedGen C0027672, MeSH D009386, MONDO:0015356.

Submission:

Ambry Genetics
Classification: Uncertain significance for Hereditary cancer-predisposing syndrome. Last evaluated: 2025-05-23. Review status: criteria provided, single submitter. Criteria: Ambry Variant Classification Scheme 2023. Collection method: clinical testing. Allele origin: germline.
Comment: The p.Q664K variant (also known as c.1990C>A), located in coding exon 14 of the MSH3 gene, results from a C to A substitution at nucleotide position 1990. The glutamine at codon 664 is replaced by lysine, an amino acid with similar properties. This amino acid position is conserved. In addition, this alteration is predicted to be tolerated by in silico analysis. Based on the available evidence, the clinical significance of this variant remains unclear.